The following is an entry in ClinVar:

ClinVar aggregate classification (germline): Pathogenic. Review status: reviewed by expert panel (3 of 4 stars). 2 submissions from 2 submitters: Pathogenic (1). 1 of the submissions does not count toward it. Last evaluated 2016-09-08.

Conditions:
Breast-ovarian cancer, familial, susceptibility to, 2 (BROVCA2). Also called: BRCA2 Hereditary Breast and Ovarian Cancer. Identifiers: Orphanet 145, MedGen C2675520, MONDO:0012933, OMIM 612555. Disease mechanism: loss of function.

Submissions (2):

Evidence-based Network for the Interpretation of Germline Mutant Alleles (ENIGMA)
Classification: Pathogenic for Breast-ovarian cancer, familial, susceptibility to, 2. Last evaluated: 2016-09-08. Review status: reviewed by expert panel. Criteria: ENIGMA BRCA1/2 Classification Criteria (2015). Collection method: curation. Allele origin: germline.
Comment: Variant allele predicted to encode a truncated non-functional protein.

Breast Cancer Information Core (BIC) (BRCA2)
Classification: Pathogenic for Breast-ovarian cancer, familial 2. Last evaluated: 2002-05-29. Review status: no assertion criteria provided. Collection method: clinical testing. Allele origin: germline. Affected: yes. Observed: 1 variant allele. Not counted in ClinVar's aggregate classification.

NM_000059.4(BRCA2):c.6382A>T (p.Lys2128Ter)

Gene: BRCA2 (BRCA2 DNA repair associated; plus strand). Cytogenetic location: 13q13.1.
Variant type: single nucleotide variant.
Coding change: c.6382A>T on transcript NM_000059.4 (MANE Select); coding-DNA position 6382, A replaced by T.
Protein change: p.Lys2128Ter; replaces lysine 2128 with a stop codon.
Molecular consequence: nonsense.
Genome position (GRCh38, 1-based): chr13:32,340,737, A>T. VCF-style: chr13-32340737-A-T. GRCh37 (hg19) VCF-style: chr13-32914874-A-T.
Other names: short protein forms K2128*.
Identifiers: ClinVar variation 52077 (VCV000052077.2), dbSNP rs80358875, ClinGen allele CA023965.